The following is an entry in ClinVar:

NM_000136.3(FANCC):c.178del (p.Val60fs)

Gene: FANCC (FA complementation group C; minus strand). Cytogenetic location: 9q22.32.
Variant type: Deletion.
Coding change: c.178del on transcript NM_000136.3 (MANE Select); coding-DNA position 178, one base deleted (G; older notation c.178delG).
Protein change: p.Val60fs; shifts the reading frame from valine 60.
Molecular consequence: frameshift variant.
Genome position (GRCh38, 1-based): chr9:95,247,504, C deleted on the plus strand (G on the coding strand, the reverse complement: FANCC is on the minus strand). VCF-style (leftmost placement, unchanged base first): chr9-95247503-AC-A. GRCh37 (hg19) VCF-style: chr9-98009785-AC-A.
Other names: c.178del, p.Val60fs (NM_001243743.2, NM_001243744.2); short protein forms V60fs.
Identifiers: ClinVar variation 5013855 (VCV005013855.1).

ClinVar aggregate classification (germline): Pathogenic (1 of 4 stars; one submission).

Conditions:
Fanconi anemia complementation group C (FANCC). Also called: FANCONI PANCYTOPENIA, TYPE 3; FACC; Fanconi anemia, group C; FANCC-Related Fanconi Anemia. Identifiers: Orphanet 84, MedGen C3468041, MONDO:0009213, OMIM 227645.

Submission:

Myriad Genetics, Inc.
Classification: Pathogenic for Fanconi anemia complementation group C. Last evaluated: 2024-12-14. Review status: criteria provided, single submitter. Criteria: Myriad Autosomal Dominant, Autosomal Recessive and X-Linked Classification Criteria (2023). Collection method: clinical testing. Allele origin: unknown.
Comment: NM_000136.2(FANCC):c.178delG(V60Sfs*22) is expected to be pathogenic in the context of Fanconi anemia, FANCC-related. This variant is predicted to lead to an abnormal or absent protein product due to the creation of a premature termination codon in FANCC, a gene where loss-of-function variants are known to be pathogenic. Please note: this variant was assessed in the context of healthy population screening.